The following is an entry in ClinVar:

ClinVar aggregate classification (germline): Uncertain significance. Review status: criteria provided, multiple submitters, no conflicts (2 of 4 stars). 3 submissions from 3 submitters: Uncertain significance (2). 1 of the submissions does not count toward it. Last evaluated 2023-04-24.

Conditions:
Non-Syndromic Hereditary Hearing Impairment.

Allele frequency attached by ClinVar (database versions not stated): gnomAD exomes 0.00002 and 0.00003; TOPMed 0.00002; ExAC 0.00003; 1000 Genomes Project 30x 0.00016; 1000 Genomes Project 0.00020; gnomAD 0.00001 and 0.00002.
gnomAD v4.1: 28 of 1,612,996 alleles (0.0017%); highest among the groups gnomAD compares: South Asian, 0.021%; no homozygotes.

Submissions (3):

Labcorp Genetics (formerly Invitae), Labcorp
Classification: Uncertain significance. Last evaluated: 2023-04-24. Review status: criteria provided, single submitter. Criteria: Invitae Variant Classification Sherloc (09022015). Collection method: clinical testing. Allele origin: germline.
Comment: In summary, the available evidence is currently insufficient to determine the role of this variant in disease. Therefore, it has been classified as a Variant of Uncertain Significance. Advanced modeling of protein sequence and biophysical properties (such as structural, functional, and spatial information, amino acid conservation, physicochemical variation, residue mobility, and thermodynamic stability) performed at Invitae indicates that this missense variant is not expected to disrupt USH1G protein function. ClinVar contains an entry for this variant (Variation ID: 544691). This missense change has been observed in individual(s) with clinical features of USH1G-related conditions (PMID: 30029624). This variant is present in population databases (rs538983393, gnomAD 0.02%). This sequence change replaces aspartic acid, which is acidic and polar, with asparagine, which is neutral and polar, at codon 365 of the USH1G protein (p.Asp365Asn).

Women's Health and Genetics/Laboratory Corporation of America, LabCorp
Classification: Uncertain significance. Last evaluated: 2022-06-08. Review status: criteria provided, single submitter. Criteria: LabCorp Variant Classification Summary - May 2015. Collection method: clinical testing. Allele origin: germline.
Comment: Variant summary: USH1G c.1093G>A (p.Asp365Asn) results in a conservative amino acid change in the encoded protein sequence. Four of five in-silico tools predict a benign effect of the variant on protein function. The variant allele was found at a frequency of 3.2e-05 in 249458 control chromosomes (gnomAD). The available data on variant occurrences in the general population are insufficient to allow any conclusion about variant significance. c.1093G>A has been reported in a family with two individuals affected with non-syndromic hearing impairment, who were trans-heterozygous for this variant and PCDH15 c.3101G>A (p.Arg1034His) (Schrauwen_2018). Authors of this study proposed a digenic inheritance, citing a digenic heterozygous mouse model demonstrating epistasis between Pcdh15 and Ush1G (PMID 22381527). However, these reports do not provide unequivocal conclusions about association of the variant with Usher Syndrome. No clinical diagnostic laboratories have submitted clinical-significance assessments for this variant to ClinVar after 2014. Based on the evidence outlined above, the variant was classified as uncertain significance.

University of Washington Center for Mendelian Genomics, University of Washington
Classification: Likely pathogenic for Non-Syndromic Hereditary Hearing Impairment. Review status: no assertion criteria provided. Collection method: research. Allele origin: inherited. Affected: yes. Not counted in ClinVar's aggregate classification.

Literature cited by the submitters: PubMed 30029624 (cited by 3 submitters).

NM_173477.5(USH1G):c.1093G>A (p.Asp365Asn)

Gene: USH1G (USH1 protein network component sans; minus strand). Cytogenetic location: 17q25.1.
Variant type: single nucleotide variant.
Coding change: c.1093G>A on transcript NM_173477.5 (MANE Select); coding-DNA position 1093, G replaced by A.
Protein change: p.Asp365Asn; replaces aspartic acid 365 with asparagine.
Molecular consequence: missense variant.
Genome position (GRCh38, 1-based): chr17:74,919,743, C>T on the plus strand (G>A on the coding strand, the complement: USH1G is on the minus strand). VCF-style: chr17-74919743-C-T. GRCh37 (hg19) VCF-style: chr17-72915838-C-T.
Other names: c.784G>A, p.Asp262Asn (NM_001282489.3); short protein forms D365N, D262N.
Identifiers: ClinVar variation 544691 (VCV000544691.6), dbSNP rs538983393, ClinGen allele CA8753931.